The following is an entry in ClinVar:

NM_001321439.2(YIPF2):c.766A>C (p.Arg256=)

Gene: YIPF2 (Yip1 domain family member 2; minus strand). Cytogenetic location: 19p13.2.
Variant type: single nucleotide variant.
Coding change: c.766A>C on transcript NM_001321439.2 (MANE Select); coding-DNA position 766, A replaced by C.
Protein change: p.Arg256=; no amino-acid change (arginine 256 retained).
Molecular consequence: synonymous variant.
Genome position (GRCh38, 1-based): chr19:10,923,563, T>G on the plus strand (A>C on the coding strand, the complement: YIPF2 is on the minus strand). VCF-style: chr19-10923563-T-G. GRCh37 (hg19) VCF-style: chr19-11034239-T-G.
Other names: c.649A>C, p.Arg217= (NM_001321440.2); c.766A>C, p.Arg256= (NM_024029.5).
Identifiers: ClinVar variation 2649307 (VCV002649307.24), dbSNP rs146974463, ClinGen allele CA9202879.

ClinVar aggregate classification (germline): Likely benign (1 of 4 stars; one submission).

Allele frequency attached by ClinVar (database versions not stated): 1000 Genomes Project 30x 0.00031; 1000 Genomes Project 0.00040; gnomAD 0.00097; ExAC 0.00107; TOPMed 0.00135; ESP Exome Variant Server 0.00146.
gnomAD v4.1: 1,724 of 1,612,698 alleles (0.11%); highest among the groups gnomAD compares: South Asian, 0.13%; 4 homozygotes.

Submission:

CeGaT Center for Human Genetics Tuebingen
Classification: Likely benign. Last evaluated: 2022-03-01. Review status: criteria provided, single submitter. Criteria: CeGaT Center For Human Genetics Tuebingen Variant Classification Criteria Version 2. Collection method: clinical testing. Allele origin: germline. Affected: yes. Observed: 1 variant allele.
Comment: YIPF2: BP4, BP7